The following is an entry in ClinVar:

ClinVar aggregate classification (germline): Uncertain significance. Review status: criteria provided, multiple submitters, no conflicts (2 of 4 stars). 2 submissions from 2 submitters: Uncertain significance (2). Last evaluated 2025-08-29.

Conditions:
FBXO11-related disorder. Also called: FBXO11-related condition.

gnomAD v4.1: 15 of 1,230,396 alleles (0.0012%); highest among the groups gnomAD compares: Non-Finnish European, 0.0015%; no homozygotes.

Submissions (2):

Labcorp Genetics (formerly Invitae), Labcorp
Classification: Uncertain significance. Last evaluated: 2025-08-29. Review status: criteria provided, single submitter. Criteria: Invitae Variant Classification Sherloc (09022015). Collection method: clinical testing. Allele origin: germline.
Comment: This sequence change replaces glutamic acid, which is acidic and polar, with aspartic acid, which is acidic and polar, at codon 76 of the FBXO11 protein (p.Glu76Asp). This variant is not present in population databases (gnomAD no frequency). This variant has not been reported in the literature in individuals affected with FBXO11-related conditions. ClinVar contains an entry for this variant (Variation ID: 2632310). An algorithm developed to predict the effect of missense changes on protein structure and function (PolyPhen-2) suggests that this variant is likely to be tolerated. In summary, the available evidence is currently insufficient to determine the role of this variant in disease. Therefore, it has been classified as a Variant of Uncertain Significance.

PreventionGenetics, part of Exact Sciences
Classification: Uncertain significance for FBXO11-related condition. Last evaluated: 2023-06-08. Review status: criteria provided, single submitter. Criteria: ACMG Guidelines, 2015. Collection method: clinical testing. Allele origin: germline.
Comment: The FBXO11 c.228G>C variant is predicted to result in the amino acid substitution p.Glu76Asp. To our knowledge, this variant has not been reported in the literature or in a large population database, indicating this variant is rare. At this time, the clinical significance of this variant is uncertain due to the absence of conclusive functional and genetic evidence.

NM_001190274.2(FBXO11):c.228G>C (p.Glu76Asp)

Gene: FBXO11 (F-box protein 11; minus strand). Cytogenetic location: 2p16.3.
Variant type: single nucleotide variant.
Coding change: c.228G>C on transcript NM_001190274.2 (MANE Select); coding-DNA position 228, G replaced by C.
Protein change: p.Glu76Asp; replaces glutamic acid 76 with aspartic acid.
Molecular consequence: missense variant.
Genome position (GRCh38, 1-based): chr2:47,905,493, C>G on the plus strand (G>C on the coding strand, the complement: FBXO11 is on the minus strand). VCF-style: chr2-47905493-C-G. GRCh37 (hg19) VCF-style: chr2-48132632-C-G.
Other names: short protein forms E76D.
Identifiers: ClinVar variation 2632310 (VCV002632310.2), dbSNP rs2528150710, ClinGen allele CA346812469.